The following is an entry in ClinVar:

NM_003920.5(TIMELESS):c.2640A>G (p.Gln880=)

Gene: TIMELESS (timeless circadian regulator; minus strand). Cytogenetic location: 12q13.3.
Variant type: single nucleotide variant.
Coding change: c.2640A>G on transcript NM_003920.5 (MANE Select); coding-DNA position 2640, A replaced by G.
Protein change: p.Gln880=; no amino-acid change (glutamine 880 retained).
Molecular consequence: synonymous variant. On other transcripts: non-coding transcript variant (1).
Genome position (GRCh38, 1-based): chr12:56,421,901, T>C on the plus strand (A>G on the coding strand, the complement: TIMELESS is on the minus strand). VCF-style: chr12-56421901-T-C. GRCh37 (hg19) VCF-style: chr12-56815685-T-C.
Other names: c.2637A>G, p.Gln879= (NM_001330295.2).
Identifiers: ClinVar variation 2643093 (VCV002643093.24), dbSNP rs752567248, ClinGen allele CA6631550.
Genomic context (GRCh38, chr12:56,421,901, plus strand): 5'-CCCAGGAAGTGATCACGAGTCCCCATCCCAATAGCCTCCAGAGCATGTGCCTCTCTACCT[T>C]TGGAAGTCCTTGACACTGTCAGCCAGTCCCATCTGTACCAGATGGTGGATGATCTGCTTG-3'
Protein context (NP_003911.2, residues 870-890): MGLADSVKDF[Gln880=]RKGTHIVLWT

ClinVar aggregate classification (germline): Likely benign (1 of 4 stars; one submission).

Allele frequency attached by ClinVar (database versions not stated): gnomAD exomes 0.00001; ExAC 0.00003; gnomAD 0.00004; TOPMed 0.00005.
gnomAD v4.1: 42 of 1,613,922 alleles (0.0026%); highest among the groups gnomAD compares: Middle Eastern, 0.016%; no homozygotes.

Submission:

CeGaT Center for Human Genetics Tuebingen
Classification: Likely benign. Last evaluated: 2023-03-01. Review status: criteria provided, single submitter. Criteria: CeGaT Center For Human Genetics Tuebingen Variant Classification Criteria Version 2. Collection method: clinical testing. Allele origin: germline. Affected: yes. Observed: 1 variant allele.
Comment: TIMELESS: BP4, BP7